The following is an entry in ClinVar:

ClinVar aggregate classification (germline): Uncertain significance (1 of 4 stars; one submission).

Conditions:
Combined immunodeficiency due to ORAI1 deficiency. Also called: IMMUNODEFICIENCY 9. Identifiers: Orphanet 169090, Orphanet 317428, MedGen C2748568, MONDO:0013007, OMIM 612782.
Myopathy, tubular aggregate, 2 (TAM2). Identifiers: MedGen C4014557, MONDO:0014383, OMIM 615883.

Allele frequency attached by ClinVar (database versions not stated): gnomAD exomes 0.00001; ExAC 0.00001.

Submission:

Labcorp Genetics (formerly Invitae), Labcorp
Classification: Uncertain significance for Myopathy, tubular aggregate, 2; Combined immunodeficiency due to ORAI1 deficiency. Last evaluated: 2025-03-04. Review status: criteria provided, single submitter. Criteria: Invitae Variant Classification Sherloc (09022015). Collection method: clinical testing. Allele origin: germline.
Comment: This sequence change replaces valine, which is neutral and non-polar, with alanine, which is neutral and non-polar, at codon 160 of the ORAI1 protein (p.Val160Ala). This variant is present in population databases (rs781948568, gnomAD 0.0009%). This variant has not been reported in the literature in individuals affected with ORAI1-related conditions. ClinVar contains an entry for this variant (Variation ID: 2934365). Experimental studies and prediction algorithms are not available or were not evaluated, and the functional significance of this variant is currently unknown. In summary, the available evidence is currently insufficient to determine the role of this variant in disease. Therefore, it has been classified as a Variant of Uncertain Significance.

NM_032790.4(ORAI1):c.479T>C (p.Val160Ala)

Gene: ORAI1 (ORAI calcium release-activated calcium modulator 1; plus strand). Cytogenetic location: 12q24.31.
Variant type: single nucleotide variant.
Coding change: c.479T>C on transcript NM_032790.4 (MANE Select); coding-DNA position 479, T replaced by C.
Protein change: p.Val160Ala; replaces valine 160 with alanine.
Molecular consequence: missense variant. On other transcripts: non-coding transcript variant (1).
Genome position (GRCh38, 1-based): chr12:121,641,216, T>C. VCF-style: chr12-121641216-T-C. GRCh37 (hg19) VCF-style: chr12-122079122-T-C.
Other names: short protein forms V160A.
Identifiers: ClinVar variation 2934365 (VCV002934365.3), dbSNP rs781948568, ClinGen allele CA6837499.